The following is an entry in ClinVar:

NM_001039574.3(KCNC4):c.567G>C (p.Leu189=)

Gene: KCNC4 (potassium voltage-gated channel subfamily C member 4; plus strand). Cytogenetic location: 1p13.3.
Variant type: single nucleotide variant.
Coding change: c.567G>C on transcript NM_001039574.3 (MANE Select); coding-DNA position 567, G replaced by C.
Protein change: p.Leu189=; no amino-acid change (leucine 189 retained).
Molecular consequence: synonymous variant. On other transcripts: non-coding transcript variant (1).
Genome position (GRCh38, 1-based): chr1:110,212,066, G>C. VCF-style: chr1-110212066-G-C. GRCh37 (hg19) VCF-style: chr1-110754688-G-C.
Other names: c.567G>C, p.Leu189= (NM_001377330.1, NM_001377331.1, NM_004978.6).
Identifiers: ClinVar variation 3067507 (VCV003067507.21), dbSNP rs371290024, ClinGen allele CA998502.

ClinVar aggregate classification (germline): Likely benign (1 of 4 stars; one submission).

Allele frequency attached by ClinVar (database versions not stated): gnomAD exomes 0.00001; TOPMed 0.00003; gnomAD 0.00005.

Submission:

CeGaT Center for Human Genetics Tuebingen
Classification: Likely benign. Last evaluated: 2024-03-01. Review status: criteria provided, single submitter. Criteria: CeGaT Center For Human Genetics Tuebingen Variant Classification Criteria Version 2. Collection method: clinical testing. Allele origin: germline. Affected: yes. Observed: 1 variant allele.
Comment: KCNC4: BP4